The following is an entry in ClinVar:

NM_133259.4(LRPPRC):c.1880G>A (p.Arg627His)

Gene: LRPPRC (leucine rich pentatricopeptide repeat containing; minus strand). Cytogenetic location: 2p21.
Variant type: single nucleotide variant.
Coding change: c.1880G>A on transcript NM_133259.4 (MANE Select); coding-DNA position 1880, G replaced by A.
Protein change: p.Arg627His; replaces arginine 627 with histidine.
Molecular consequence: missense variant.
Genome position (GRCh38, 1-based): chr2:43,948,162, C>T on the plus strand (G>A on the coding strand, the complement: LRPPRC is on the minus strand). VCF-style: chr2-43948162-C-T. GRCh37 (hg19) VCF-style: chr2-44175301-C-T.
Other names: short protein forms R627H.
Identifiers: ClinVar variation 550238 (VCV000550238.5), dbSNP rs373011028, ClinGen allele CA1638689.

ClinVar aggregate classification (germline): Uncertain significance. Review status: criteria provided, multiple submitters, no conflicts (2 of 4 stars). 3 submissions from 3 submitters: Uncertain significance (2). 1 of the submissions does not count toward it. Last evaluated 2025-03-03.

Conditions:
Inborn genetic diseases. Identifiers: MedGen C0950123, MeSH D030342.
Congenital lactic acidosis, Saguenay-Lac-Saint-Jean type (MC4DN5). Also called: CYTOCHROME c OXIDASE DEFICIENCY, FRENCH CANADIAN TYPE; COX DEFICIENCY, FRENCH CANADIAN TYPE; MITOCHONDRIAL COMPLEX IV DEFICIENCY, NUCLEAR TYPE 5. Identifiers: Orphanet 70472, MedGen C1857355, MONDO:0009069, OMIM 220111.

Allele frequency attached by ClinVar (database versions not stated): gnomAD 0.00006; ExAC 0.00007; ESP Exome Variant Server 0.00008; TOPMed 0.00009.
gnomAD v4.1: 111 of 1,606,918 alleles (0.0069%); highest among the groups gnomAD compares: Middle Eastern, 0.016%; no homozygotes.

Submissions (3):

Ambry Genetics
Classification: Uncertain significance for Inborn genetic diseases. Last evaluated: 2025-03-03. Review status: criteria provided, single submitter. Criteria: Ambry Variant Classification Scheme 2023. Collection method: clinical testing. Allele origin: germline.

Labcorp Genetics (formerly Invitae), Labcorp
Classification: Uncertain significance. Last evaluated: 2022-07-12. Review status: criteria provided, single submitter. Criteria: Invitae Variant Classification Sherloc (09022015). Collection method: clinical testing. Allele origin: germline.
Comment: This sequence change replaces arginine, which is basic and polar, with histidine, which is basic and polar, at codon 627 of the LRPPRC protein (p.Arg627His). The frequency data for this variant in the population databases is considered unreliable, as metrics indicate poor data quality at this position in the gnomAD database. This variant has not been reported in the literature in individuals affected with LRPPRC-related conditions. ClinVar contains an entry for this variant (Variation ID: 550238). Algorithms developed to predict the effect of missense changes on protein structure and function (SIFT, PolyPhen-2, Align-GVGD) all suggest that this variant is likely to be tolerated. In summary, the available evidence is currently insufficient to determine the role of this variant in disease. Therefore, it has been classified as a Variant of Uncertain Significance.

Counsyl
Classification: Uncertain significance for Congenital lactic acidosis, Saguenay-Lac-Saint-Jean type. Last evaluated: 2017-01-05. Review status: no assertion criteria provided. Collection method: clinical testing. Allele origin: unknown. Not counted in ClinVar's aggregate classification.